The following is an entry in ClinVar:

NM_032119.4(ADGRV1):c.287T>C (p.Val96Ala)

Gene: ADGRV1 (adhesion G protein-coupled receptor V1; plus strand). Cytogenetic location: 5q14.3.
Variant type: single nucleotide variant.
Coding change: c.287T>C on transcript NM_032119.4 (MANE Select); coding-DNA position 287, T replaced by C.
Protein change: p.Val96Ala; replaces valine 96 with alanine.
Molecular consequence: missense variant. On other transcripts: non-coding transcript variant (1).
Genome position (GRCh38, 1-based): chr5:90,617,883, T>C. VCF-style: chr5-90617883-T-C. GRCh37 (hg19) VCF-style: chr5-89913700-T-C.
Other names: short protein forms V96A.
Identifiers: ClinVar variation 1934488 (VCV001934488.5), dbSNP rs2531707044, ClinGen allele CA360385518.

ClinVar aggregate classification (germline): Uncertain significance (1 of 4 stars; one submission).

Allele frequency attached by ClinVar (database versions not stated): gnomAD exomes below 0.00001.
gnomAD v4.1: 1 of 1,598,218 alleles (0.000063%); highest among the groups gnomAD compares: Non-Finnish European, 0.000085%; no homozygotes.

Submission:

Labcorp Genetics (formerly Invitae), Labcorp
Classification: Uncertain significance. Last evaluated: 2023-12-06. Review status: criteria provided, single submitter. Criteria: Invitae Variant Classification Sherloc (09022015). Collection method: clinical testing. Allele origin: germline.
Comment: This sequence change replaces valine, which is neutral and non-polar, with alanine, which is neutral and non-polar, at codon 96 of the ADGRV1 protein (p.Val96Ala). This variant is not present in population databases (gnomAD no frequency). This variant has not been reported in the literature in individuals affected with ADGRV1-related conditions. ClinVar contains an entry for this variant (Variation ID: 1934488). Advanced modeling of protein sequence and biophysical properties (such as structural, functional, and spatial information, amino acid conservation, physicochemical variation, residue mobility, and thermodynamic stability) performed at Invitae indicates that this missense variant is not expected to disrupt ADGRV1 protein function with a negative predictive value of 95%. In summary, the available evidence is currently insufficient to determine the role of this variant in disease. Therefore, it has been classified as a Variant of Uncertain Significance.